The following is an entry in ClinVar:

ClinVar aggregate classification (germline): Uncertain significance. Review status: criteria provided, multiple submitters, no conflicts (2 of 4 stars). 2 submissions from 2 submitters: Uncertain significance (2). Last evaluated 2025-04-13.

Conditions:
Multiple endocrine neoplasia, type 2 (MEN2). Identifiers: Orphanet 653, MedGen C4048306, MONDO:0019003. Disease mechanism: gain of function.
Hereditary cancer-predisposing syndrome. Also called: Neoplastic Syndromes, Hereditary; Tumor predisposition; Hereditary Cancer Syndrome; Hereditary neoplastic syndrome. Identifiers: Orphanet 140162, MedGen C0027672, MeSH D009386, MONDO:0015356.

gnomAD v4.1: 1 of 1,611,524 alleles (0.000062%); highest among the groups gnomAD compares: Non-Finnish European, 0.000085%; no homozygotes.

Submissions (2):

Labcorp Genetics (formerly Invitae), Labcorp
Classification: Uncertain significance for Multiple endocrine neoplasia, type 2. Last evaluated: 2025-04-13. Review status: criteria provided, single submitter. Criteria: Invitae Variant Classification Sherloc (09022015). Collection method: clinical testing. Allele origin: germline.
Comment: This sequence change replaces proline, which is neutral and non-polar, with serine, which is neutral and polar, at codon 599 of the RET protein (p.Pro599Ser). This variant is not present in population databases (gnomAD no frequency). This variant has not been reported in the literature in individuals affected with RET-related conditions. ClinVar contains an entry for this variant (Variation ID: 1780252). An algorithm developed to predict the effect of missense changes on protein structure and function (PolyPhen-2) suggests that this variant is likely to be tolerated. In summary, the available evidence is currently insufficient to determine the role of this variant in disease. Therefore, it has been classified as a Variant of Uncertain Significance.

Ambry Genetics
Classification: Uncertain significance for Hereditary cancer-predisposing syndrome. Last evaluated: 2021-07-16. Review status: criteria provided, single submitter. Criteria: Ambry Variant Classification Scheme 2023. Collection method: clinical testing. Allele origin: germline.
Comment: The p.P599S variant (also known as c.1795C>T), located in coding exon 10 of the RET gene, results from a C to T substitution at nucleotide position 1795. The proline at codon 599 is replaced by serine, an amino acid with similar properties. This amino acid position is poorly conserved in available vertebrate species. In addition, the in silico prediction for this alteration is inconclusive. Since supporting evidence is limited at this time, the clinical significance of this alteration remains unclear.

NM_020975.6(RET):c.1795C>T (p.Pro599Ser)

Gene: RET (ret proto-oncogene; plus strand). Cytogenetic location: 10q11.21.
Variant type: single nucleotide variant.
Coding change: c.1795C>T on transcript NM_020975.6 (MANE Select); coding-DNA position 1795, C replaced by T.
Protein change: p.Pro599Ser; replaces proline 599 with serine.
Molecular consequence: missense variant.
Genome position (GRCh38, 1-based): chr10:43,113,591, C>T. VCF-style: chr10-43113591-C-T. GRCh37 (hg19) VCF-style: chr10-43609039-C-T.
Other names: c.1795C>T, p.Pro599Ser (NM_000323.2, NM_001406743.1, NM_001406744.1 and 6 more transcripts); c.1033C>T, p.Pro345Ser (NM_001355216.2); c.1666C>T, p.Pro556Ser (NM_001406761.1, NM_001406762.1, NM_001406764.1 and 1 more transcripts); c.1507C>T, p.Pro503Ser (NM_001406766.1, NM_001406767.1, NM_001406770.1); c.1399C>T, p.Pro467Ser (NM_001406769.1, NM_001406772.1); c.1357C>T, p.Pro453Ser (NM_001406771.1, NM_001406773.1); c.1270C>T, p.Pro424Ser (NM_001406774.1); c.1069C>T, p.Pro357Ser (NM_001406775.1, NM_001406776.1, NM_001406777.1 and 1 more transcripts); and 5 more; short protein forms P116S, P300S, P357S, P257S, P503S, P556S, P269S, P453S.
Identifiers: ClinVar variation 1780252 (VCV001780252.3), dbSNP rs1486769344, ClinGen allele CA376552624.